The following is an entry in ClinVar:

NM_001379110.1(SLC9A6):c.474T>C (p.Ser158=)

Gene: SLC9A6 (solute carrier family 9 member A6; plus strand). Cytogenetic location: Xq26.3.
Variant type: single nucleotide variant.
Coding change: c.474T>C on transcript NM_001379110.1 (MANE Select); coding-DNA position 474, T replaced by C.
Protein change: p.Ser158=; no amino-acid change (serine 158 retained).
Molecular consequence: synonymous variant.
Genome position (GRCh38, 1-based): chrX:135,998,508, T>C. VCF-style: chrX-135998508-T-C. GRCh37 (hg19) VCF-style: chrX-135080667-T-C.
Other names: p.S178S:TCT>TCC; c.630T>C, p.Ser210= (NM_001042537.2); c.474T>C, p.Ser158= (NM_001177651.2); c.378T>C, p.Ser126= (NM_001330652.2); c.534T>C, p.Ser178= (NM_006359.3).
Identifiers: ClinVar variation 139200 (VCV000139200.23), dbSNP rs144316388, ClinGen allele CA293611.

ClinVar aggregate classification (germline): Benign/Likely benign. Review status: criteria provided, multiple submitters, no conflicts (2 of 4 stars). 8 submissions from 8 submitters: Benign (7); Likely benign (1). Last evaluated 2026-02-03.

Conditions:
SLC9A6-related disorder. Also called: SLC9A6-related condition.
Inborn genetic diseases. Identifiers: MedGen C0950123, MeSH D030342.
Christianson syndrome (MRXSCH). Also called: X-linked mental retardation, syndromic, Christianson type; SLC9A6-Related Syndromic Mental Retardation; INTELLECTUAL DEVELOPMENTAL DISORDER, X-LINKED, SYNDROMIC, CHRISTIANSON TYPE. Identifiers: Orphanet 85278, MedGen C2678194, MONDO:0010278, OMIM 300243.

Allele frequency attached by ClinVar (database versions not stated): gnomAD exomes 0.00057 and 0.00193; ExAC 0.00236; gnomAD 0.00625 and 0.00662; 1000 Genomes Project 0.00742; TOPMed 0.00788; ESP Exome Variant Server 0.00920; 1000 Genomes Project 30x 0.00957.
gnomAD v4.1: 1,324 of 1,176,895 alleles (0.11%); highest among the groups gnomAD compares: African/African-American, 2.2%; 17 homozygotes.

Submissions (8):

Labcorp Genetics (formerly Invitae), Labcorp
Classification: Benign for Christianson syndrome. Last evaluated: 2026-02-03. Review status: criteria provided, single submitter. Criteria: Invitae Variant Classification Sherloc (09022015). Collection method: clinical testing. Allele origin: germline.

ARUP Laboratories, Molecular Genetics and Genomics, ARUP Laboratories
Classification: Benign for Christianson syndrome. Last evaluated: 2025-03-06. Review status: criteria provided, single submitter. Criteria: ARUP Molecular Germline Variant Investigation Process 2024. Collection method: clinical testing. Allele origin: germline.

PreventionGenetics, part of Exact Sciences
Classification: Benign for SLC9A6-related condition. Last evaluated: 2024-11-22. Review status: criteria provided, single submitter. Criteria: ACMG Guidelines, 2015. Collection method: clinical testing. Allele origin: germline.
Comment: This variant is classified as benign based on ACMG/AMP sequence variant interpretation guidelines (Richards et al. 2015 PMID: 25741868, with internal and published modifications).

Blueprint Genetics
Classification: Likely benign. Last evaluated: 2024-11-13. Review status: criteria provided, single submitter. Criteria: ACMG Guidelines, 2015. Collection method: clinical testing. Allele origin: germline.

Athena Diagnostics
Classification: Benign. Last evaluated: 2017-03-07. Review status: criteria provided, single submitter. Criteria: Athena Diagnostics Criteria. Collection method: clinical testing. Allele origin: germline.

Ambry Genetics
Classification: Benign for Inborn genetic diseases. Last evaluated: 2016-10-25. Review status: criteria provided, single submitter. Criteria: Ambry Variant Classification Scheme 2023. Collection method: clinical testing. Allele origin: germline.

GeneDx
Classification: Benign. Last evaluated: 2013-03-15. Review status: criteria provided, single submitter. Criteria: GeneDx Variant Classification (06012015). Collection method: clinical testing. Allele origin: germline. Affected: yes.
Comment: This variant is considered likely benign or benign based on one or more of the following criteria: it is a conservative change, it occurs at a poorly conserved position in the protein, it is predicted to be benign by multiple in silico algorithms, and/or has population frequency not consistent with disease.

Breakthrough Genomics
Classification: Benign. Review status: criteria provided, single submitter. Criteria: ACMG Guidelines, 2015. Collection method: not provided. Allele origin: germline. Inheritance: X-linked inheritance. Affected: yes.